The following is an entry in ClinVar:

ClinVar aggregate classification (germline): Uncertain significance. Review status: criteria provided, multiple submitters, no conflicts (2 of 4 stars). 2 submissions from 2 submitters: Uncertain significance (2). Last evaluated 2024-06-28.

Conditions:
Developmental and epileptic encephalopathy, 48 (DEE48). Also called: Epileptic encephalopathy, early infantile, 48. Identifiers: MedGen C4310637, MONDO:0015000, OMIM 617276.

Allele frequency attached by ClinVar (database versions not stated): gnomAD exomes below 0.00001; TOPMed below 0.00001; gnomAD 0.00001; ESP Exome Variant Server 0.00008.
gnomAD v4.1: 2 of 1,613,874 alleles (0.00012%); highest among the groups gnomAD compares: African/African-American, 0.0027%; no homozygotes.

Submissions (2):

ARUP Laboratories, Molecular Genetics and Genomics, ARUP Laboratories
Classification: Uncertain significance for Developmental and epileptic encephalopathy, 48. Last evaluated: 2024-06-28. Review status: criteria provided, single submitter. Criteria: ARUP Molecular Germline Variant Investigation Process 2024. Collection method: clinical testing. Allele origin: germline.

Labcorp Genetics (formerly Invitae), Labcorp
Classification: Uncertain significance. Last evaluated: 2022-02-17. Review status: criteria provided, single submitter. Criteria: Invitae Variant Classification Sherloc (09022015). Collection method: clinical testing. Allele origin: germline.
Comment: Algorithms developed to predict the effect of sequence changes on RNA splicing suggest that this variant is not likely to affect RNA splicing. This sequence change replaces asparagine, which is neutral and polar, with tyrosine, which is neutral and polar, at codon 552 of the AP3B2 protein (p.Asn552Tyr). This variant is not present in population databases (gnomAD no frequency). This variant has not been reported in the literature in individuals affected with AP3B2-related conditions. Algorithms developed to predict the effect of missense changes on protein structure and function are either unavailable or do not agree on the potential impact of this missense change (SIFT: "Deleterious"; PolyPhen-2: "Possibly Damaging"; Align-GVGD: "Class C0"). In summary, the available evidence is currently insufficient to determine the role of this variant in disease. Therefore, it has been classified as a Variant of Uncertain Significance.

NM_001278512.2(AP3B2):c.1654A>T (p.Asn552Tyr)

Genes: AP3B2 (adaptor related protein complex 3 subunit beta 2; minus strand), CPEB1-AS1 (CPEB1 antisense RNA 1; plus strand). Cytogenetic location: 15q25.2.
Variant type: single nucleotide variant.
Coding change: c.1654A>T on transcript NM_001278512.2 (MANE Select); coding-DNA position 1654, A replaced by T.
Protein change: p.Asn552Tyr; replaces asparagine 552 with tyrosine.
Molecular consequence: missense variant.
Genome position (GRCh38, 1-based): chr15:82,676,472, T>A on the plus strand (A>T on the coding strand, the complement: AP3B2 is on the minus strand). VCF-style: chr15-82676472-T-A. GRCh37 (hg19) VCF-style: chr15-83345224-T-A.
Other names: c.1558A>T, p.Asn520Tyr (NM_001278511.2); c.1654A>T, p.Asn552Tyr (NM_004644.5); short protein forms N520Y, N552Y.
Identifiers: ClinVar variation 1958616 (VCV001958616.4), dbSNP rs372449972, ClinGen allele CA273487580.